The following is an entry in ClinVar:

ClinVar aggregate classification (germline): Uncertain significance. Review status: criteria provided, multiple submitters, no conflicts (2 of 4 stars). 2 submissions from 2 submitters: Uncertain significance (2). Last evaluated 2020-06-10.

Conditions:
LAMA2-related muscular dystrophy (LAMA2-RD). Also called: Laminin alpha 2-related dystrophy. Identifiers: MedGen C5679788, MONDO:0100228.

Submissions (2):

Labcorp Genetics (formerly Invitae), Labcorp
Classification: Uncertain significance for LAMA2-related muscular dystrophy. Last evaluated: 2020-06-10. Review status: criteria provided, single submitter. Criteria: Invitae Variant Classification Sherloc (09022015). Collection method: clinical testing. Allele origin: germline.
Comment: In summary, the available evidence is currently insufficient to determine the role of this variant in disease. Therefore, it has been classified as a Variant of Uncertain Significance. Algorithms developed to predict the effect of missense changes on protein structure and function (SIFT, PolyPhen-2, Align-GVGD) all suggest that this variant is likely to be tolerated, but these predictions have not been confirmed by published functional studies and their clinical significance is uncertain. This variant has not been reported in the literature in individuals with LAMA2-related conditions. This variant is not present in population databases (ExAC no frequency). This sequence change replaces leucine with valine at codon 830 of the LAMA2 protein (p.Leu830Val). The leucine residue is moderately conserved and there is a small physicochemical difference between leucine and valine.

Revvity Omics, Revvity
Classification: Uncertain significance. Last evaluated: 2020-05-11. Review status: criteria provided, single submitter. Criteria: ACMG Guidelines, 2015. Collection method: clinical testing. Allele origin: germline.

NM_000426.4(LAMA2):c.2488T>G (p.Leu830Val)

Gene: LAMA2 (laminin subunit alpha 2; plus strand). Cytogenetic location: 6q22.33.
Variant type: single nucleotide variant.
Coding change: c.2488T>G on transcript NM_000426.4 (MANE Select); coding-DNA position 2488, T replaced by G.
Protein change: p.Leu830Val; replaces leucine 830 with valine.
Molecular consequence: missense variant.
Genome position (GRCh38, 1-based): chr6:129,280,098, T>G. VCF-style: chr6-129280098-T-G. GRCh37 (hg19) VCF-style: chr6-129601243-T-G.
Other names: c.2488T>G (NM_000426.3); c.2488T>G, p.Leu830Val (NM_001079823.2); short protein forms L830V.
Identifiers: ClinVar variation 1056313 (VCV001056313.11), dbSNP rs140283614, ClinGen allele CA365609347.
Genomic context (GRCh38, chr6:129,280,098, plus strand): 5'-TTTCCGCAACAACATCAACATAGCTTTAGCCCAACGTGCCATTTAGACCGGAGTCTTGGA[T>G]TGATCTGTGATGGATGCCCTGTCGGGTACACAGGACCACGCTGTGAGAGGTAAGAGTATA-3'
Protein context (NP_000417.3, residues 820-840): PTCHLDRSLG[Leu830Val]ICDGCPVGYT